The following is an entry in ClinVar:

ClinVar aggregate classification (germline): Uncertain significance (1 of 4 stars; one submission).

Allele frequency attached by ClinVar (database versions not stated): gnomAD 0.00001; ExAC 0.00002; TOPMed 0.00002; ESP Exome Variant Server 0.00008.
gnomAD v4.1: 6 of 1,613,918 alleles (0.00037%); highest among the groups gnomAD compares: African/African-American, 0.0027%; no homozygotes.

Submission:

Labcorp Genetics (formerly Invitae), Labcorp
Classification: Uncertain significance. Last evaluated: 2023-07-18. Review status: criteria provided, single submitter. Criteria: Invitae Variant Classification Sherloc (09022015). Collection method: clinical testing. Allele origin: germline.
Comment: In summary, the available evidence is currently insufficient to determine the role of this variant in disease. Therefore, it has been classified as a Variant of Uncertain Significance. Advanced modeling of protein sequence and biophysical properties (such as structural, functional, and spatial information, amino acid conservation, physicochemical variation, residue mobility, and thermodynamic stability) performed at Invitae indicates that this missense variant is not expected to disrupt MTOR protein function. This variant has not been reported in the literature in individuals affected with MTOR-related conditions. This variant is present in population databases (rs376836258, gnomAD 0.007%). This sequence change replaces aspartic acid, which is acidic and polar, with asparagine, which is neutral and polar, at codon 523 of the MTOR protein (p.Asp523Asn).

NM_004958.4(MTOR):c.1567G>A (p.Asp523Asn)

Gene: MTOR (mechanistic target of rapamycin kinase; minus strand). Cytogenetic location: 1p36.22.
Variant type: single nucleotide variant.
Coding change: c.1567G>A on transcript NM_004958.4 (MANE Select); coding-DNA position 1567, G replaced by A.
Protein change: p.Asp523Asn; replaces aspartic acid 523 with asparagine.
Molecular consequence: missense variant.
Genome position (GRCh38, 1-based): chr1:11,240,522, C>T on the plus strand (G>A on the coding strand, the complement: MTOR is on the minus strand). VCF-style: chr1-11240522-C-T. GRCh37 (hg19) VCF-style: chr1-11300579-C-T.
Other names: c.1567G>A, p.Asp523Asn (NM_001386500.1); c.319G>A, p.Asp107Asn (NM_001386501.1); short protein forms D523N, D107N.
Identifiers: ClinVar variation 2994058 (VCV002994058.3), dbSNP rs376836258, ClinGen allele CA590678.
Genomic context (GRCh38, chr1:11,240,522, plus strand): 5'-GCATTTTCAGTAGCCCATCTTGAATGTCCTTCTTTAGCTGTGGAATCTGACGGCTCAGGT[C>T]GTAGAGCACTGCAGTGAGGGCAGGGCTGAGGGGAAGGAAACAAGTCACATAAGGGCTGGG-3'
Protein context (NP_004949.1, residues 513-533): LSPALTAVLY[Asp523Asn]LSRQIPQLKK